The following is an entry in ClinVar:

ClinVar aggregate classification (germline): Uncertain significance (1 of 4 stars; one submission).

Conditions:
Van Maldergem syndrome 2 (VMLDS2). Identifiers: Orphanet 314679, MedGen C3809875, MONDO:0014242, OMIM 615546.

Submission:

Clinical Genomics Laboratory, Washington University in St. Louis
Classification: Uncertain significance for Van Maldergem syndrome 2. Last evaluated: 2024-02-01. Review status: criteria provided, single submitter. Criteria: ACMG Guidelines, 2015. Collection method: clinical testing. Allele origin: germline.
Comment: The FAT4 c.10823A>C (p.Asp3608Ala) variant, to our knowledge, has not been reported in the medical literature and is absent from the general population (gnomAD v.2.1.1), indicating it is not a common variant. This variant occurs in the cadherin domain in a region where pathogenic variants have been previously described (Cappello S et al., PMID: 24056717) and computational predictors indicate that the variant is damaging, evidence that correlates with impact to FAT4 function. Due to limited information, and based on ACMG/AMP guidelines for variant interpretation (Richards S et al., PMID: 25741868), the clinical significance of this variant is uncertain at this time.

NM_001291303.3(FAT4):c.10823A>C (p.Asp3608Ala)

Gene: FAT4 (FAT atypical cadherin 4; plus strand). Cytogenetic location: 4q28.1.
Variant type: single nucleotide variant.
Coding change: c.10823A>C on transcript NM_001291303.3 (MANE Select); coding-DNA position 10823, A replaced by C.
Protein change: p.Asp3608Ala; replaces aspartic acid 3608 with alanine.
Molecular consequence: missense variant.
Genome position (GRCh38, 1-based): chr4:125,451,833, A>C. VCF-style: chr4-125451833-A-C. GRCh37 (hg19) VCF-style: chr4-126372988-A-C.
Other names: c.10823A>C, p.Asp3608Ala (NM_001291285.3); c.10817A>C, p.Asp3606Ala (NM_024582.6); short protein forms D3606A, D3608A.
Identifiers: ClinVar variation 3236608 (VCV003236608.1), dbSNP rs1726089040, ClinGen allele CA358159811.